The following is an entry in ClinVar:

ClinVar aggregate classification (germline): Uncertain significance. Review status: criteria provided, single submitter (1 of 4 stars). 2 submissions from 2 submitters: Uncertain significance (1). 1 of the submissions does not count toward it. Last evaluated 2026-02-09.

Conditions:
Autosomal recessive Alport syndrome (ATS2). Also called: COL4A4 Alport Syndrome and Thin Basement Membrane Nephropathy; ALPORT SYNDROME 2, AUTOSOMAL RECESSIVE; Alport syndrome type 2; COL4A3-Related Nephropathy. Identifiers: Orphanet 63, Orphanet 88919, MedGen C4746745, MONDO:0008762, OMIM 203780.
Autosomal dominant Alport syndrome (ATS3A). Also called: Alport syndrome dominant type; Renal failure and sensorineural hearing loss; ALPORT SYNDROME 3A, AUTOSOMAL DOMINANT. Identifiers: Orphanet 63, Orphanet 88918, MedGen C5882663, MONDO:0007086, OMIM 104200.

Allele frequency attached by ClinVar (database versions not stated): gnomAD exomes 0.00001 and below 0.00001; ExAC 0.00001.
gnomAD v4.1: 6 of 1,614,166 alleles (0.00037%); highest among the groups gnomAD compares: South Asian, 0.0044%; no homozygotes.

Submissions (2):

Genetics laboratory, Institute of Kidney Diseases & Research Centre Dr. H.L. Trivedi Institute Of Transplantation Sciences
Classification: Uncertain significance for Autosomal recessive Alport syndrome. Last evaluated: 2026-02-09. Review status: criteria provided, single submitter. Criteria: ACMG Guidelines, 2015. Collection method: clinical testing. Allele origin: germline. Inheritance: Autosomal dominant inheritance. Affected: yes. Observed: 1 variant allele, 1 heterozygote.
Comment: The COL4A4 variant c.4126C>T (p.Pro1376Ser) is classified as a Variant of Uncertain Significance. The variant is rare in population databases; however, it does not involve a glycine substitution within the collagenous domain, which represents the most well-established pathogenic mechanism in COL4A4-related disease. Additionally, available computational predictions are conflicting, and there is insufficient evidence to determine its clinical significance.

Bioscientia Institut fuer Medizinische Diagnostik GmbH, Sonic Healthcare
Classification: Uncertain significance for Autosomal dominant Alport syndrome. Last evaluated: 2019-05-28. Review status: no assertion criteria provided. Collection method: clinical testing. Allele origin: germline. Affected: yes. Not counted in ClinVar's aggregate classification.

NM_000092.5(COL4A4):c.4126C>T (p.Pro1376Ser)

Gene: COL4A4 (collagen type IV alpha 4 chain; minus strand). Cytogenetic location: 2q36.3.
Variant type: single nucleotide variant.
Coding change: c.4126C>T on transcript NM_000092.5 (MANE Select); coding-DNA position 4126, C replaced by T.
Protein change: p.Pro1376Ser; replaces proline 1376 with serine.
Molecular consequence: missense variant.
Genome position (GRCh38, 1-based): chr2:227,022,138, G>A on the plus strand (C>T on the coding strand, the complement: COL4A4 is on the minus strand). VCF-style: chr2-227022138-G-A. GRCh37 (hg19) VCF-style: chr2-227886854-G-A.
Other names: short protein forms P1376S.
Identifiers: ClinVar variation 829849 (VCV000829849.2), dbSNP rs780131074, ClinGen allele CA2144269.
Genomic context (GRCh38, chr2:227,022,138, plus strand): 5'-GCCCCATGGCTCCTTCTGGTCCTCTCATGCCTGGCGCCCCAGGAAGGCCTGGGATTCGGG[G>A]ACAGTCATCCACATCTGCAGGTGGCCCCGGTTCACCTGAAATTGGAATCACCGCTTGTGT-3'
Protein context (NP_000083.3, residues 1366-1386): PGPPADVDDC[Pro1376Ser]RIPGLPGAPG